The following is an entry in ClinVar:

ClinVar aggregate classification (germline): Uncertain significance (1 of 4 stars; one submission).

Conditions:
Paget disease of bone 2, early-onset (PDB2). Also called: Paget disease of bone 2. Identifiers: MedGen C4085251, MONDO:0011183, OMIM 602080.
Frontotemporal dementia and/or amyotrophic lateral sclerosis 1 (FTDALS1). Also called: Frontotemporal dementia with motor neuron disease 1; C9orf72 Frontotemporal Dementia and/or Amyotrophic Lateral Sclerosis. Identifiers: Orphanet 275872, MedGen C5779877, MONDO:0007105, OMIM 105550.

Allele frequency attached by ClinVar (database versions not stated): 1000 Genomes Project 0.00020; 1000 Genomes Project 30x 0.00031.
gnomAD v4.1: 1 of 1,612,282 alleles (0.000062%); highest among the groups gnomAD compares: Admixed American, 0.0017%; no homozygotes.

Submission:

Labcorp Genetics (formerly Invitae), Labcorp
Classification: Uncertain significance for Paget disease of bone 2, early-onset; Frontotemporal dementia and/or amyotrophic lateral sclerosis 1. Last evaluated: 2024-03-01. Review status: criteria provided, single submitter. Criteria: Invitae Variant Classification Sherloc (09022015). Collection method: clinical testing. Allele origin: germline.
Comment: This sequence change replaces alanine, which is neutral and non-polar, with glutamic acid, which is acidic and polar, at codon 308 of the SQSTM1 protein (p.Ala308Glu). This variant is present in population databases (rs541356917, gnomAD 0.003%). This variant has not been reported in the literature in individuals affected with SQSTM1-related conditions. ClinVar contains an entry for this variant (Variation ID: 2061560). Advanced modeling of protein sequence and biophysical properties (such as structural, functional, and spatial information, amino acid conservation, physicochemical variation, residue mobility, and thermodynamic stability) performed at Invitae indicates that this missense variant is not expected to disrupt SQSTM1 protein function with a negative predictive value of 80%. In summary, the available evidence is currently insufficient to determine the role of this variant in disease. Therefore, it has been classified as a Variant of Uncertain Significance.

NM_003900.5(SQSTM1):c.923C>A (p.Ala308Glu)

Gene: SQSTM1 (sequestosome 1; plus strand). Cytogenetic location: 5q35.3.
Variant type: single nucleotide variant.
Coding change: c.923C>A on transcript NM_003900.5 (MANE Select); coding-DNA position 923, C replaced by A.
Protein change: p.Ala308Glu; replaces alanine 308 with glutamic acid.
Molecular consequence: missense variant.
Genome position (GRCh38, 1-based): chr5:179,833,200, C>A. VCF-style: chr5-179833200-C-A. GRCh37 (hg19) VCF-style: chr5-179260200-C-A.
Other names: c.671C>A, p.Ala224Glu (NM_001142298.2, NM_001142299.2); short protein forms A224E, A308E.
Identifiers: ClinVar variation 2061560 (VCV002061560.4), dbSNP rs541356917, ClinGen allele CA3600726.